The following is an entry in ClinVar:

ClinVar aggregate classification (germline): Pathogenic (1 of 4 stars; one submission).

Conditions:
Deficiency of butyryl-CoA dehydrogenase (ACADSD). Also called: SCADH DEFICIENCY; SCAD Deficiency; SCAD DEFICIENCY, MILD; ACYL-CoA DEHYDROGENASE, SHORT-CHAIN, DEFICIENCY OF; ACADS DEFICIENCY; Short-Chain Acyl-CoA Dehydrogenase Deficiency. Identifiers: Orphanet 26792, MedGen C0342783, MONDO:0008722, OMIM 201470. Disease mechanism: May be benign.

Submission:

Labcorp Genetics (formerly Invitae), Labcorp
Classification: Pathogenic for Deficiency of butyryl-CoA dehydrogenase. Last evaluated: 2024-04-05. Review status: criteria provided, single submitter. Criteria: Invitae Variant Classification Sherloc (09022015). Collection method: clinical testing. Allele origin: germline.
Comment: This variant results in the deletion of part of exon 6 and part of exon 7 (c.762_911del) of the ACADS gene. This variant would be expected to be in-frame, preserving the integrity of the reading frame. This variant is not present in population databases (gnomAD no frequency). This variant has not been reported in the literature in individuals affected with ACADS-related conditions. This variant disrupts a region of the ACADS protein in which other variant(s) (p.Arg272Cys) have been determined to be pathogenic (PMID: 27051597; Invitae). This suggests that this is a clinically significant region of the protein, and that variants that disrupt it are likely to be disease-causing. For these reasons, this variant has been classified as Pathogenic.

Literature cited by the submitters: PubMed 27051597.

NM_000017.4(ACADS):c.762_911del150 (p.Gly255_Leu304del)

Gene: ACADS (acyl-CoA dehydrogenase short chain; plus strand). Cytogenetic location: 12q24.31.
Variant type: Deletion.
Coding change: c.762_911del150 on transcript NM_000017.4 (MANE Select); coding-DNA positions 762 to 911, 150 bases deleted.
Protein change: p.Gly255_Leu304del.
Molecular consequence: splice acceptor variant, splice donor variant.
Genome position: GRCh38: chr12:120,738,417-120,738,648. GRCh37 (hg19): chr12:121,176,220-121,176,451.
Other names: c.750_899del150, p.Gly251_Leu300del (NM_001302554.2).
Identifiers: ClinVar variation 3648925 (VCV003648925.2).